The following is an entry in ClinVar:

ClinVar aggregate classification (germline): Uncertain significance (1 of 4 stars; one submission).

Conditions:
Emery-Dreifuss muscular dystrophy 5, autosomal dominant (EDMD5). Also called: EMERY-DREIFUSS MUSCULAR DYSTROPHY 5. Identifiers: Orphanet 261, MedGen C2751805, MONDO:0013072, OMIM 612999.

Submission:

Labcorp Genetics (formerly Invitae), Labcorp
Classification: Uncertain significance for Emery-Dreifuss muscular dystrophy 5, autosomal dominant. Last evaluated: 2022-09-16. Review status: criteria provided, single submitter. Criteria: Invitae Variant Classification Sherloc (09022015). Collection method: clinical testing. Allele origin: germline.
Comment: In summary, the available evidence is currently insufficient to determine the role of this variant in disease. Therefore, it has been classified as a Variant of Uncertain Significance. This variant has not been reported in the literature in individuals affected with SYNE2-related conditions. This variant is not present in population databases (gnomAD no frequency). This sequence change creates a premature translational stop signal (p.Ile111Metfs*16) in the SYNE2 gene. It is expected to result in an absent or disrupted protein product. However, the current clinical and genetic evidence is not sufficient to establish whether loss-of-function variants in SYNE2 cause disease.

NM_182914.3(SYNE2):c.330_333del (p.Ile111fs)

Gene: SYNE2 (spectrin repeat containing nuclear envelope protein 2; plus strand). Cytogenetic location: 14q23.2.
Variant type: Deletion.
Coding change: c.330_333del on transcript NM_182914.3 (MANE Select); coding-DNA positions 330 to 333, 4 bases deleted (TATT; older notation c.330_333delTATT).
Protein change: p.Ile111fs; shifts the reading frame from isoleucine 111.
Molecular consequence: frameshift variant.
Genome position (GRCh38, 1-based): chr14:63,942,065-63,942,068, TATT deleted. VCF-style (leftmost placement, unchanged base first): chr14-63942064-ATATT-A. GRCh37 (hg19) VCF-style: chr14-64408782-ATATT-A.
Other names: c.330_333del, p.Ile111fs (NM_015180.6); short protein forms I111fs.
Identifiers: ClinVar variation 2030698 (VCV002030698.4), dbSNP rs2550516509, ClinGen allele CA2580088314.
Genomic context (GRCh38, chr14:63,942,064, plus strand): 5'-TGCTCTGGGATATTTCCTCCTTTTAACCTGCACTTTTTGTTTTCCAGATTAAGCTAATAA[ATATT>A]CATGTTACTGATATCATTGATGGAAACCCATCCATTATCCTTGGCCTAATTTGGACAATT-3'